The following is an entry in ClinVar:

NM_002691.4(POLD1):c.2565-13C>T

Gene: POLD1 (DNA polymerase delta 1, catalytic subunit; plus strand). Cytogenetic location: 19q13.33.
Variant type: single nucleotide variant.
Coding change: c.2565-13C>T on transcript NM_002691.4 (MANE Select); 13 bases into the intron before coding-DNA position 2565, C replaced by T.
Molecular consequence: intron variant.
Genome position (GRCh38, 1-based): chr19:50,415,425, C>T. VCF-style: chr19-50415425-C-T. GRCh37 (hg19) VCF-style: chr19-50918682-C-T.
Other names: c.2565-13C>T (NM_001256849.1, LRG_785t1, NM_002691.2); c.2643-13C>T (LRG_785t2, NM_001308632.1).
Identifiers: ClinVar variation 548836 (VCV000548836.11), dbSNP rs559638270, ClinGen allele CA9596586.
Genomic context (GRCh38, chr19:50,415,425, plus strand): 5'-CCTGAGACCCGTGGAGGCACCAGCCTGGCCCTCAGTGCCTTTTGGTGACGCTGTGCGGCC[C>T]GCTCTCCTACAGAGACCCTGAGGGCGCGGTGGCTCACGCACAGGACGTCATCTCGGACCT-3'

ClinVar aggregate classification (germline): Conflicting classifications of pathogenicity. Review status: criteria provided, conflicting classifications (1 of 4 stars). 3 submissions from 3 submitters: Uncertain significance (1); Benign (1). 1 of the submissions does not count toward it. Last evaluated 2025-12-31.

Conditions:
Hereditary cancer-predisposing syndrome. Also called: Tumor predisposition; Neoplastic Syndromes, Hereditary; Hereditary Cancer Syndrome; Hereditary neoplastic syndrome. Identifiers: Orphanet 140162, MedGen C0027672, MeSH D009386, MONDO:0015356.
POLD1-related polyposis and colorectal cancer syndrome (CRCS10). Also called: Colorectal cancer 10; COLORECTAL CANCER, SUSCEPTIBILITY TO, ON CHROMOSOME 19q; Colorectal cancer, susceptibility to, 10. Identifiers: Orphanet 220460, MedGen C2675481, MONDO:0012953, OMIM 612591.

Allele frequency attached by ClinVar (database versions not stated): gnomAD 0.00001 and 0.00003; TOPMed 0.00003; 1000 Genomes Project 30x 0.00031; 1000 Genomes Project 0.00040.
gnomAD v4.1: 14 of 1,605,416 alleles (0.00087%); highest among the groups gnomAD compares: East Asian, 0.022%; no homozygotes.

Submissions (3):

Labcorp Genetics (formerly Invitae), Labcorp
Classification: Benign for POLD1-related polyposis and colorectal cancer syndrome. Last evaluated: 2025-12-31. Review status: criteria provided, single submitter. Criteria: Invitae Variant Classification Sherloc (09022015). Collection method: clinical testing. Allele origin: germline.

Ambry Genetics
Classification: Uncertain significance for Hereditary cancer-predisposing syndrome. Last evaluated: 2017-08-21. Review status: criteria provided, single submitter. Criteria: Ambry Variant Classification Scheme 2023. Collection method: clinical testing. Allele origin: germline.
Comment: The c.2565-13C>T intronic alteration consists of a C to T substitution 13 nucleotides before coding exon 20 in the POLD1 gene. Based on insufficient or conflicting evidence, the clinical significance of this alteration remains unclear.

Counsyl
Classification: Likely benign for POLD1-related polyposis and colorectal cancer syndrome. Last evaluated: 2018-01-04. Review status: no assertion criteria provided. Collection method: clinical testing. Allele origin: unknown. Not counted in ClinVar's aggregate classification.